The following is an entry in ClinVar:

ClinVar aggregate classification (germline): Conflicting classifications of pathogenicity. Review status: criteria provided, conflicting classifications (1 of 4 stars). 2 submissions from 2 submitters: Pathogenic (1); Uncertain significance (1). Last evaluated 2026-07-08.

Conditions:
Tuberous sclerosis 1 (TSC1). Identifiers: Orphanet 805, MedGen C1854465, MONDO:0008612, OMIM 191100.
Hereditary cancer-predisposing syndrome. Also called: Hereditary Cancer Syndrome; Hereditary neoplastic syndrome; Neoplastic Syndromes, Hereditary; Tumor predisposition. Identifiers: Orphanet 140162, MedGen C0027672, MeSH D009386, MONDO:0015356.

Submissions (2):

Ambry Genetics
Classification: Uncertain significance for Hereditary cancer-predisposing syndrome. Last evaluated: 2026-07-08. Review status: criteria provided, single submitter. Criteria: Ambry Variant Classification Scheme 2023. Collection method: clinical testing. Allele origin: germline.
Comment: The p.Q550* variant (also known as c.1648C>T), located in coding exon 13 of the TSC1 gene, results from a C to T substitution at nucleotide position 1648. This changes the amino acid from a glutamine to a stop codon within coding exon 13. This alteration is expected to result in loss of function by premature protein truncation or nonsense-mediated mRNA decay. This nucleotide position is highly conserved in available vertebrate species. In silico splice site analysis predicts that this alteration may result in the creation or strengthening of a novel splice donor site. RNA studies have demonstrated that this variant results in a transcript predicted to lead to a protein with an in-frame deletion of 73 amino acids; however, the exact functional impact of the deleted amino acids is unknown at this time (Ambry internal data). Based on the available evidence, the clinical significance of this variant remains unclear.

Labcorp Genetics (formerly Invitae), Labcorp
Classification: Pathogenic for Tuberous sclerosis 1. Last evaluated: 2024-02-04. Review status: criteria provided, single submitter. Criteria: Invitae Variant Classification Sherloc (09022015). Collection method: clinical testing. Allele origin: germline.
Comment: This sequence change creates a premature translational stop signal (p.Gln550*) in the TSC1 gene. It is expected to result in an absent or disrupted protein product. Loss-of-function variants in TSC1 are known to be pathogenic (PMID: 10227394, 17304050). This variant is not present in population databases (gnomAD no frequency). This variant has not been reported in the literature in individuals affected with TSC1-related conditions. Algorithms developed to predict the effect of sequence changes on RNA splicing suggest that this variant may create or strengthen a splice site. For these reasons, this variant has been classified as Pathogenic.

Literature cited by the submitters: PubMed 10227394 (cited by Labcorp Genetics (formerly Invitae), Labcorp); PubMed 17304050 (cited by Labcorp Genetics (formerly Invitae), Labcorp).

NM_000368.5(TSC1):c.1648C>T (p.Gln550Ter)

Gene: TSC1 (TSC complex subunit 1; minus strand). Cytogenetic location: 9q34.13.
Variant type: single nucleotide variant.
Coding change: c.1648C>T on transcript NM_000368.5 (MANE Select); coding-DNA position 1648, C replaced by T.
Protein change: p.Gln550Ter; replaces glutamine 550 with a stop codon.
Molecular consequence: nonsense. On other transcripts: non-coding transcript variant (5).
Genome position (GRCh38, 1-based): chr9:132,905,930, G>A on the plus strand (C>T on the coding strand, the complement: TSC1 is on the minus strand). VCF-style: chr9-132905930-G-A. GRCh37 (hg19) VCF-style: chr9-135781317-G-A.
Other names: c.1648C>T, p.Gln550Ter (NM_001406595.1, NM_001406596.1, NM_001406601.1 and 7 more transcripts); c.1645C>T, p.Gln549Ter (NM_001406597.1, NM_001406598.1, NM_001406599.1 and 6 more transcripts); c.1285C>T, p.Gln429Ter (NM_001406614.1, NM_001406615.1, NM_001406616.1 and 5 more transcripts); c.1282C>T, p.Gln428Ter (NM_001406620.1, NM_001406621.1, NM_001406622.1 and 2 more transcripts); c.697C>T, p.Gln233Ter (NM_001406626.1); c.694C>T, p.Gln232Ter (NM_001406627.1, NM_001406628.1); c.595C>T, p.Gln199Ter (NM_001406629.1, NM_001406630.1); c.1495C>T, p.Gln499Ter (NM_001162427.2, NM_001406610.1); and 1 more; short protein forms Q428*, Q550*, Q199*, Q233*, Q498*, Q499*, Q549*, Q232*.
Identifiers: ClinVar variation 2766028 (VCV002766028.4), dbSNP rs118203553, ClinGen allele CA375364470.